The following is an entry in ClinVar:

NM_001042492.3(NF1):c.2132_2134del (p.Arg711del)

Gene: NF1 (neurofibromin 1; plus strand). Cytogenetic location: 17q11.2.
Variant type: Deletion.
Coding change: c.2132_2134del on transcript NM_001042492.3 (MANE Select); coding-DNA positions 2132 to 2134, 3 bases deleted (GCC; older notation c.2132_2134delGCC).
Protein change: p.Arg711del; deletes arginine 711.
Molecular consequence: inframe deletion. On other transcripts: inframe indel (1).
Genome position (GRCh38, 1-based): chr17:31,226,565-31,226,567, GCC deleted; deleting any 3 consecutive bases within chr17:31,226,563-31,226,567 gives the same sequence; the c. name uses the placement nearest the transcript's 3' end. VCF-style (leftmost placement, unchanged base first): chr17-31226562-TCCG-T. GRCh37 (hg19) VCF-style: chr17-29553580-TCCG-T.
Other names: c.2132_2134delGCC, p.Arg711del (NM_000267.4); short protein forms R711del.
Identifiers: ClinVar variation 1447068 (VCV001447068.8), dbSNP rs2151425862, ClinGen allele CA2573153257.
Genomic context (GRCh38, chr17:31,226,562, plus strand): 5'-CCCTGTACATGTTTCTGTGGAACCCTGACACTGAAGCTGTTCTGGTTGCCATGTCCTGTT[TCCG>T]CCACCTCTGTGAGGAAGCAGATATCCGGTGTGGGGTGGATGAAGTGTCAGTGCATAACCT-3'

ClinVar aggregate classification (germline): Uncertain significance (1 of 4 stars; one submission).

Conditions:
Neurofibromatosis, type 1 (NF1). Also called: NEUROFIBROMATOSIS, TYPE I, SOMATIC; VON RECKLINGHAUSEN DISEASE; Peripheral type neurofibromatosis; Neurofibromatosis, type I. Identifiers: Orphanet 636, MedGen C0027831, MONDO:0018975, OMIM 162200. Disease mechanism: loss of function.

Submission:

Labcorp Genetics (formerly Invitae), Labcorp
Classification: Uncertain significance for Neurofibromatosis, type 1. Last evaluated: 2022-05-12. Review status: criteria provided, single submitter. Criteria: Invitae Variant Classification Sherloc (09022015). Collection method: clinical testing. Allele origin: germline.
Comment: In summary, the available evidence is currently insufficient to determine the role of this variant in disease. Therefore, it has been classified as a Variant of Uncertain Significance. Experimental studies and prediction algorithms are not available or were not evaluated, and the functional significance of this variant is currently unknown. This variant has been observed in individual(s) with clinical features of neurofibromatosis type 1 (Invitae). This variant is not present in population databases (gnomAD no frequency). This variant, c.2132_2134del, results in the deletion of 1 amino acid(s) of the NF1 protein (p.Arg711del), but otherwise preserves the integrity of the reading frame.